The following is an entry in ClinVar:

ClinVar aggregate classification (germline): Uncertain significance (1 of 4 stars; one submission).

Conditions:
Hereditary cancer-predisposing syndrome. Also called: Neoplastic Syndromes, Hereditary; Tumor predisposition; Hereditary Cancer Syndrome; Hereditary neoplastic syndrome. Identifiers: Orphanet 140162, MedGen C0027672, MeSH D009386, MONDO:0015356.

Submission:

Color Diagnostics, LLC DBA Color Health
Classification: Uncertain significance for Hereditary cancer-predisposing syndrome. Last evaluated: 2023-10-31. Review status: criteria provided, single submitter. Criteria: ACMG Guidelines, 2015. Collection method: clinical testing. Allele origin: germline.
Comment: This missense variant replaces lysine with glutamic acid at codon 421 of the BAP1 protein. Computational prediction suggests that this variant may not impact protein structure and function (internally defined REVEL score threshold <= 0.5, PMID: 27666373). To our knowledge, functional studies have not been reported for this variant. This variant has not been reported in individuals affected with BAP1-related disorders in the literature. This variant has not been identified in the general population by the Genome Aggregation Database (gnomAD). The available evidence is insufficient to determine the role of this variant in disease conclusively. Therefore, this variant is classified as a Variant of Uncertain Significance.

NM_004656.4(BAP1):c.1261A>G (p.Lys421Glu)

Gene: BAP1 (BRCA1 associated deubiquitinase 1; minus strand). Cytogenetic location: 3p21.1.
Variant type: single nucleotide variant.
Coding change: c.1261A>G on transcript NM_004656.4 (MANE Select); coding-DNA position 1261, A replaced by G.
Protein change: p.Lys421Glu; replaces lysine 421 with glutamic acid.
Molecular consequence: missense variant.
Genome position (GRCh38, 1-based): chr3:52,403,884, T>C on the plus strand (A>G on the coding strand, the complement: BAP1 is on the minus strand). VCF-style: chr3-52403884-T-C. GRCh37 (hg19) VCF-style: chr3-52437900-T-C.
Other names: c.1207A>G, p.Lys403Glu (NM_001410772.1); short protein forms K403E, K421E.
Identifiers: ClinVar variation 2774751 (VCV002774751.2), dbSNP rs2153226771, ClinGen allele CA353102493.